The following is an entry in ClinVar:

NM_000127.3(EXT1):c.1884-1G>C

Gene: EXT1 (exostosin glycosyltransferase 1; minus strand). Cytogenetic location: 8q24.11.
Variant type: single nucleotide variant.
Coding change: c.1884-1G>C on transcript NM_000127.3 (MANE Select); the canonical splice acceptor site of the intron before coding-DNA position 1884, G replaced by C.
Molecular consequence: splice acceptor variant.
Genome position (GRCh38, 1-based): chr8:117,804,894, C>G on the plus strand (G>C on the coding strand, the complement: EXT1 is on the minus strand). VCF-style: chr8-117804894-C-G. GRCh37 (hg19) VCF-style: chr8-118817133-C-G.
Other names: NC_000008.10:g.118817133C>G.
Identifiers: ClinVar variation 429834 (VCV000429834.4), dbSNP rs1131691623, ClinGen allele CA371877794.
Genomic context (GRCh38, chr8:117,804,894, plus strand): 5'-TGGTCCACCATGTTCTTCAGGCTGGCTGGCAGGTAATGGGAGTATAGGTAGTGATAATAT[C>G]TGTAAAAATCAAAGATGGGTTTCACAGGGGGCCATTATCACATGATGACAAGTGGACTTC-3'

ClinVar aggregate classification (germline): Pathogenic. Review status: criteria provided, multiple submitters, no conflicts (2 of 4 stars). 2 submissions from 2 submitters: Pathogenic (2). Last evaluated 2024-12-19.

Conditions:
Exostoses, multiple, type 1 (EXT1). Also called: EXOSTOSES, MULTIPLE, TYPE I; Hereditary Multiple Osteochondromatosis, Type I. Identifiers: MedGen CN263289, MONDO:0007585, OMIM 133700.

Submissions (3):

Genomic Medicine Center of Excellence, King Faisal Specialist Hospital and Research Centre
Classification: Pathogenic for Exostoses, multiple, type 1. Last evaluated: 2024-12-19. Review status: criteria provided, single submitter. Criteria: ACMG Guidelines, 2015. Collection method: clinical testing. Allele origin: germline.

GeneDx
Classification: Pathogenic. Last evaluated: 2015-09-17. Review status: criteria provided, single submitter. Criteria: GeneDx Variant Classification (06012015). Collection method: clinical testing. Allele origin: germline. Affected: yes.
Comment: The IVS9-1 G>C splice site variant in the EXT1 gene has been previously reported in association with hereditary multiple exostoses (Bernelot et al., 2014). This variant destroys the canonical splice acceptor site in intron 9, and is expected to cause abnormal gene splicing. Therefore, we interpret the IVS9-1 G>C variant as pathogenic.

Dr. Peter K. Rogan Lab, Western University
No classification provided (evidence only). Condition: Nonpapillary renal cell carcinoma. Review status: no classification provided. Collection method: in vitro. Allele origin: not applicable. Functional consequence: retained intron. Not counted in ClinVar's aggregate classification.